The following is an entry in ClinVar:

NM_002691.4(POLD1):c.1149C>A (p.Thr383=)

Gene: POLD1 (DNA polymerase delta 1, catalytic subunit; plus strand). Cytogenetic location: 19q13.33.
Variant type: single nucleotide variant.
Coding change: c.1149C>A on transcript NM_002691.4 (MANE Select); coding-DNA position 1149, C replaced by A.
Protein change: p.Thr383=; no amino-acid change (threonine 383 retained).
Molecular consequence: synonymous variant. On other transcripts: non-coding transcript variant (1).
Genome position (GRCh38, 1-based): chr19:50,403,504, C>A. VCF-style: chr19-50403504-C-A. GRCh37 (hg19) VCF-style: chr19-50906761-C-A.
Other names: c.1149C>A, p.Thr383= (NM_001256849.1, NM_001308632.1).
Identifiers: ClinVar variation 484352 (VCV000484352.19), dbSNP rs753026593, ClinGen allele CA9596053.

ClinVar aggregate classification (germline): Benign/Likely benign. Review status: criteria provided, multiple submitters, no conflicts (2 of 4 stars). 5 submissions from 5 submitters: Benign (1); Likely benign (4). Last evaluated 2026-04-20.

Conditions:
POLD1-related disorder. Also called: POLD1-related disorders; POLD1-related condition.
Hereditary cancer-predisposing syndrome. Also called: Tumor predisposition; Hereditary Cancer Syndrome; Hereditary neoplastic syndrome; Neoplastic Syndromes, Hereditary. Identifiers: Orphanet 140162, MedGen C0027672, MeSH D009386, MONDO:0015356.
POLD1-related polyposis and colorectal cancer syndrome (CRCS10). Also called: Colorectal cancer 10; COLORECTAL CANCER, SUSCEPTIBILITY TO, ON CHROMOSOME 19q; Colorectal cancer, susceptibility to, 10. Identifiers: Orphanet 220460, MedGen C2675481, MONDO:0012953, OMIM 612591.

Allele frequency attached by ClinVar (database versions not stated): ExAC 0.00002; TOPMed 0.00002; gnomAD 0.00003 and 0.00004; gnomAD exomes 0.00003.
gnomAD v4.1: 66 of 1,613,196 alleles (0.0041%); highest among the groups gnomAD compares: Non-Finnish European, 0.0048%; no homozygotes.

Submissions (5):

PreventionGenetics, part of Exact Sciences
Classification: Likely benign for POLD1-related condition. Last evaluated: 2026-04-20. Review status: criteria provided, single submitter. Criteria: ACMG Guidelines, 2015. Collection method: clinical testing. Allele origin: germline.
Comment: This variant is classified as likely benign based on ACMG/AMP sequence variant interpretation guidelines (Richards et al. 2015 PMID: 25741868, with internal and published modifications).

Labcorp Genetics (formerly Invitae), Labcorp
Classification: Likely benign for POLD1-related polyposis and colorectal cancer syndrome. Last evaluated: 2025-12-26. Review status: criteria provided, single submitter. Criteria: Invitae Variant Classification Sherloc (09022015). Collection method: clinical testing. Allele origin: germline.

Myriad Genetics, Inc.
Classification: Benign for POLD1-related polyposis and colorectal cancer syndrome. Last evaluated: 2025-02-05. Review status: criteria provided, single submitter. Criteria: Myriad Autosomal Dominant, Autosomal Recessive and X-Linked Classification Criteria (2023). Collection method: clinical testing. Allele origin: unknown.
Comment: This variant is considered benign. This variant is a silent/synonymous amino acid change and it is not expected to impact splicing.

GeneDx
Classification: Likely benign. Last evaluated: 2019-10-07. Review status: criteria provided, single submitter. Criteria: GeneDx Variant Classification Process June 2021. Collection method: clinical testing. Allele origin: germline. Affected: yes.
Comment: Not observed at a significant frequency in large population cohorts (Lek 2016); Has not been previously published as pathogenic or benign to our knowledge

Ambry Genetics
Classification: Likely benign for Hereditary cancer-predisposing syndrome. Last evaluated: 2015-08-30. Review status: criteria provided, single submitter. Criteria: Ambry Variant Classification Scheme 2023. Collection method: clinical testing. Allele origin: germline.